The following is an entry in ClinVar:

NM_153700.2(STRC):c.179T>C (p.Phe60Ser)

Gene: STRC (stereocilin; minus strand). Cytogenetic location: 15q15.3.
Variant type: single nucleotide variant.
Coding change: c.179T>C on transcript NM_153700.2 (MANE Select); coding-DNA position 179, T replaced by C.
Protein change: p.Phe60Ser; replaces phenylalanine 60 with serine.
Molecular consequence: missense variant.
Genome position (GRCh38, 1-based): chr15:43,618,242, A>G on the plus strand (T>C on the coding strand, the complement: STRC is on the minus strand). VCF-style: chr15-43618242-A-G. GRCh37 (hg19) VCF-style: chr15-43910440-A-G.
Other names: short protein forms F60S.
Identifiers: ClinVar variation 156030 (VCV000156030.18), dbSNP rs2729509, ClinGen allele CA210917.

ClinVar aggregate classification (germline): Benign/Likely benign. Review status: criteria provided, multiple submitters, no conflicts (2 of 4 stars). 10 submissions from 10 submitters: Benign (4); Likely benign (3). 3 of the submissions do not count toward it. Last evaluated 2021-12-17.

Conditions:
Autosomal recessive nonsyndromic hearing loss 16. Also called: DFNB16 Nonsyndromic Hearing Loss and Deafness; DEAFNESS, AUTOSOMAL RECESSIVE 16. Identifiers: Orphanet 90636, MedGen C1863561, MONDO:0011364, OMIM 603720.

Allele frequency attached by ClinVar (database versions not stated): gnomAD exomes 0.34539 and 0.29938; 1000 Genomes Project 30x 0.43754; 1000 Genomes Project 0.43610; ExAC 0.44922; gnomAD 0.34286.

Submissions (10):

Women's Health and Genetics/Laboratory Corporation of America, LabCorp
Classification: Likely benign. Last evaluated: 2021-12-17. Review status: criteria provided, single submitter. Criteria: LabCorp Variant Classification Summary - May 2015. Collection method: clinical testing. Allele origin: germline.

Mayo Clinic Laboratories, Mayo Clinic
Classification: Benign. Last evaluated: 2021-05-11. Review status: criteria provided, single submitter. Criteria: ACMG Guidelines, 2015. Collection method: clinical testing. Allele origin: germline. Observed: 83 variant alleles.

Mendelics
Classification: Benign for Autosomal recessive nonsyndromic hearing loss 16. Last evaluated: 2019-05-28. Review status: criteria provided, single submitter. Criteria: Mendelics Assertion Criteria 2017. Collection method: clinical testing. Allele origin: unknown.

GeneDx
Classification: Benign. Last evaluated: 2018-07-09. Review status: criteria provided, single submitter. Criteria: GeneDx Variant Classification Process June 2021. Collection method: clinical testing. Allele origin: germline. Affected: yes.
Comment: This variant is associated with the following publications: (PMID: 26969326)

Laboratory for Molecular Medicine, Mass General Brigham Personalized Medicine
Classification: Benign. Last evaluated: 2013-06-26. Review status: criteria provided, single submitter. Criteria: LMM Criteria. Collection method: clinical testing. Allele origin: germline. Observed: 197 variant alleles.
Comment: Phe60Ser in exon 02 of STRC: This variant is not expected to have clinical signi ficance because it has been identified in ~25% of chromosomes from several popu lations by the 1000Genomes project (reported by the Deafness Variation Database; dbSNP rs143613180 ).

Breakthrough Genomics
Classification: Likely benign. Review status: criteria provided, single submitter. Criteria: ACMG Guidelines, 2015. Collection method: not provided. Allele origin: germline. Inheritance: Autosomal recessive inheritance. Affected: yes.

Genome-Nilou Lab
Classification: Likely benign for Autosomal recessive nonsyndromic hearing loss 16. Review status: criteria provided, single submitter. Criteria: ACMG Guidelines, 2015. Collection method: clinical testing. Allele origin: germline.

Diagnostic Laboratory, Department of Genetics, University Medical Center Groningen
Classification: Benign. Review status: no assertion criteria provided. Collection method: clinical testing. Allele origin: germline. Affected: yes. Study: VKGL Data-share Consensus. Not counted in ClinVar's aggregate classification.

Genomic Research Center, Shahid Beheshti University of Medical Sciences
No classification provided. Condition: Deafness, autosomal recessive 16. Review status: no classification provided. Collection method: not provided. Allele origin: somatic. Not counted in ClinVar's aggregate classification.
Comment: rs143613180
ClinVar note: Converted during submission from untested to not provided.

Joint Genome Diagnostic Labs from Nijmegen and Maastricht, Radboudumc and MUMC+
Classification: Benign. Review status: no assertion criteria provided. Collection method: clinical testing. Allele origin: germline. Affected: yes. Study: VKGL Data-share Consensus. Not counted in ClinVar's aggregate classification.